The following is an entry in ClinVar:

NM_002069.6(GNAI1):c.14T>C (p.Leu5Pro)

Gene: GNAI1 (G protein subunit alpha i1; plus strand). Cytogenetic location: 7q21.11.
Variant type: single nucleotide variant.
Coding change: c.14T>C on transcript NM_002069.6 (MANE Select); coding-DNA position 14, T replaced by C.
Protein change: p.Leu5Pro; replaces leucine 5 with proline.
Molecular consequence: missense variant.
Genome position (GRCh38, 1-based): chr7:80,135,174, T>C. VCF-style: chr7-80135174-T-C. GRCh37 (hg19) VCF-style: chr7-79764490-T-C.
Other names: short protein forms L5P.
Identifiers: ClinVar variation 1310948 (VCV001310948.2), dbSNP rs1224009797, ClinGen allele CA368010720.

ClinVar aggregate classification (germline): Uncertain significance (1 of 4 stars; one submission).

Allele frequency attached by ClinVar (database versions not stated): gnomAD exomes below 0.00001; TOPMed below 0.00001; gnomAD 0.00001.
gnomAD v4.1: 2 of 1,536,924 alleles (0.00013%); highest among the groups gnomAD compares: Non-Finnish European, 0.00018%; no homozygotes.

Submission:

GeneDx
Classification: Uncertain significance. Last evaluated: 2022-12-15. Review status: criteria provided, single submitter. Criteria: GeneDx Variant Classification Process June 2021. Collection method: clinical testing. Allele origin: germline. Affected: yes.
Comment: Not observed in large population cohorts (gnomAD); In silico analysis supports that this missense variant has a deleterious effect on protein structure/function; This variant is associated with the following publications: (PMID: 33473207)